The following is an entry in ClinVar:

NM_031308.4(EPPK1):c.6915C>T (p.Arg2305=)

Gene: EPPK1 (epiplakin 1; minus strand). Cytogenetic location: 8q24.3.
Variant type: single nucleotide variant.
Coding change: c.6915C>T on transcript NM_031308.4 (MANE Select); coding-DNA position 6915, C replaced by T.
Protein change: p.Arg2305=; no amino-acid change (arginine 2305 retained).
Molecular consequence: synonymous variant.
Genome position (GRCh38, 1-based): chr8:143,866,339, G>A on the plus strand (C>T on the coding strand, the complement: EPPK1 is on the minus strand). VCF-style: chr8-143866339-G-A.
Identifiers: ClinVar variation 3052731 (VCV003052731.1), dbSNP rs1270716839, ClinGen allele CA848824267.
Genomic context (GRCh38, chr8:143,866,339, plus strand): 5'-CATGGCCTGGAAGAGGGAGATCTGCTGCCCGGTGTAGGGGTCGGTGTAGCCGGTGACGGC[G>A]CGCTCGGCCGACAGCAGCTTCTCCTGGATCTCGCCGCCCACCACGCCCGCGGCCACGGCC-3'
Protein context (NP_112598.3, residues 2295-2315): EIQEKLLSAE[Arg2305=]AVTGYTDPYT

ClinVar aggregate classification (germline): Likely benign (1 of 4 stars; one submission).

Conditions:
EPPK1-related disorder. Also called: EPPK1-related condition.

Allele frequency attached by ClinVar (database versions not stated): gnomAD exomes 0.00031; gnomAD 0.00033; 1000 Genomes Project 30x 0.00109.
gnomAD v4.1: 149 of 479,700 alleles (0.031%); highest among the groups gnomAD compares: Admixed American, 0.28%; no homozygotes.

Submission:

PreventionGenetics, part of Exact Sciences
Classification: Likely benign for EPPK1-related condition. Last evaluated: 2021-09-02. Review status: criteria provided, single submitter. Criteria: ACMG Guidelines, 2015. Collection method: clinical testing. Allele origin: germline.
Comment: This variant is classified as likely benign based on ACMG/AMP sequence variant interpretation guidelines (Richards et al. 2015 PMID: 25741868, with internal and published modifications).